The following is an entry in ClinVar:

ClinVar aggregate classification (germline): Conflicting classifications of pathogenicity. Review status: criteria provided, conflicting classifications (1 of 4 stars). 5 submissions from 5 submitters: Uncertain significance (1); Likely benign (3). 1 of the submissions does not count toward it. Last evaluated 2026-04-27.

Conditions:
PLEC-related disorder. Also called: PLEC-related disorders; PLEC-related condition.
Autosomal recessive limb-girdle muscular dystrophy type 2Q (LGMDR17). Also called: MUSCULAR DYSTROPHY, LIMB-GIRDLE, AUTOSOMAL RECESSIVE 17. Identifiers: Orphanet 254361, MedGen C3150989, MONDO:0013390, OMIM 613723.
Epidermolysis bullosa simplex 5C, with pyloric atresia (EBS5C). Also called: PLEC-Related Epidermolysis Bullosa with Pyloric Atresia; Epidermolysis bullosa simplex with pyloric atresia; PLEC1-Related Epidermolysis Bullosa with Pyloric Atresia. Identifiers: Orphanet 158684, MedGen C2677349, MONDO:0012807, OMIM 612138.
Epidermolysis bullosa simplex, Ogna type (EBS5A). Also called: Pidermolysis bullosa simplex 5A, Ogna type; EPIDERMOLYSIS BULLOSA SIMPLEX 5A, OGNA TYPE. Identifiers: Orphanet 79401, MedGen C0432317, MONDO:0007555, OMIM 131950.
Epidermolysis bullosa simplex 5B, with muscular dystrophy (EBS5B). Also called: EPIDERMOLYSIS BULLOSA SIMPLEX AND LIMB-GIRDLE MUSCULAR DYSTROPHY; Epidermolysis bullosa simplex with muscular dystrophy. Identifiers: Orphanet 257, MedGen C2931072, MONDO:0009181, OMIM 226670.
Epidermolysis bullosa simplex with nail dystrophy (EBS5D). Identifiers: MedGen C4225309, MONDO:0014661, OMIM 616487.

Allele frequency attached by ClinVar (database versions not stated): gnomAD exomes 0.00008 and 0.00027; gnomAD 0.00009; TOPMed 0.00011; ExAC 0.00022.
gnomAD v4.1: 132 of 1,612,670 alleles (0.0082%); highest among the groups gnomAD compares: Admixed American, 0.11%; 1 homozygote.

Submissions (5):

Women's Health and Genetics/Laboratory Corporation of America, LabCorp
Classification: Likely benign. Last evaluated: 2026-04-27. Review status: criteria provided, single submitter. Criteria: LabCorp Variant Classification Summary - May 2015. Collection method: clinical testing. Allele origin: germline.

Labcorp Genetics (formerly Invitae), Labcorp
Classification: Likely benign for Autosomal recessive limb-girdle muscular dystrophy type 2Q; Epidermolysis bullosa simplex, Ogna type; Epidermolysis bullosa simplex with nail dystrophy; Epidermolysis bullosa simplex 5C, with pyloric atresia; Epidermolysis bullosa simplex 5B, with muscular dystrophy. Last evaluated: 2026-01-03. Review status: criteria provided, single submitter. Criteria: Invitae Variant Classification Sherloc (09022015). Collection method: clinical testing. Allele origin: germline.

Blueprint Genetics
Classification: Likely benign. Last evaluated: 2024-05-07. Review status: criteria provided, single submitter. Criteria: ACMG Guidelines, 2015. Collection method: clinical testing. Allele origin: germline.

Eurofins Ntd Llc (ga)
Classification: Uncertain significance. Last evaluated: 2017-11-16. Review status: criteria provided, single submitter. Criteria: EGL Classification Definitions 2015. Collection method: clinical testing. Allele origin: germline. Observed: 3 variant alleles, 3 heterozygotes.

PreventionGenetics, part of Exact Sciences
Classification: Likely benign for PLEC-related condition. Last evaluated: 2024-06-10. Review status: no assertion criteria provided. Collection method: clinical testing. Allele origin: germline. Not counted in ClinVar's aggregate classification.
Comment: This variant is classified as likely benign based on ACMG/AMP sequence variant interpretation guidelines (Richards et al. 2015 PMID: 25741868, with internal and published modifications).

NM_201384.3(PLEC):c.792C>T (p.Arg264=)

Gene: PLEC (plectin; minus strand). Cytogenetic location: 8q24.3.
Variant type: single nucleotide variant.
Coding change: c.792C>T on transcript NM_201384.3 (MANE Select); coding-DNA position 792, C replaced by T.
Protein change: p.Arg264=; no amino-acid change (arginine 264 retained).
Molecular consequence: synonymous variant.
Genome position (GRCh38, 1-based): chr8:143,935,044, G>A on the plus strand (C>T on the coding strand, the complement: PLEC is on the minus strand). VCF-style: chr8-143935044-G-A. GRCh37 (hg19) VCF-style: chr8-145009212-G-A.
Other names: c.873C>T, p.Arg291= (NM_000445.5); c.750C>T, p.Arg250= (NM_201378.4); c.726C>T, p.Arg242= (NM_201379.3); c.1203C>T, p.Arg401= (NM_201380.4); c.696C>T, p.Arg232= (NM_201381.3); c.792C>T, p.Arg264= (NM_201382.4); c.804C>T, p.Arg268= (NM_201383.3).
Identifiers: ClinVar variation 471665 (VCV000471665.17), dbSNP rs782391508, ClinGen allele CA4928317.